The following is an entry in ClinVar:

ClinVar aggregate classification (germline): Uncertain significance (1 of 4 stars; one submission).

Submission:

Ambry Genetics
Classification: Uncertain significance. Last evaluated: 2024-02-20. Review status: criteria provided, single submitter. Criteria: Ambry Variant Classification Scheme 2023. Collection method: clinical testing. Allele origin: germline.
Comment: The p.G3071V variant (also known as c.9212G>T), located in coding exon 66 of the PRKDC gene, results from a G to T substitution at nucleotide position 9212. The glycine at codon 3071 is replaced by valine, an amino acid with dissimilar properties. This amino acid position is conserved. Based on the available evidence, the clinical significance of this alteration remains unclear.

NM_006904.7(PRKDC):c.9212G>T (p.Gly3071Val)

Gene: PRKDC (protein kinase, DNA-activated, catalytic subunit; minus strand). Cytogenetic location: 8q11.21.
Variant type: single nucleotide variant.
Coding change: c.9212G>T on transcript NM_006904.7 (MANE Select); coding-DNA position 9212, G replaced by T.
Protein change: p.Gly3071Val; replaces glycine 3071 with valine.
Molecular consequence: missense variant.
Genome position (GRCh38, 1-based): chr8:47,820,843, C>A on the plus strand (G>T on the coding strand, the complement: PRKDC is on the minus strand). VCF-style: chr8-47820843-C-A. GRCh37 (hg19) VCF-style: chr8-48733404-C-A.
Other names: c.9212G>T, p.Gly3071Val (NM_001081640.2); short protein forms G3071V.
Identifiers: ClinVar variation 3225935 (VCV003225935.1), dbSNP rs1447621213, ClinGen allele CA371139643.